The following is an entry in ClinVar:

NM_001355436.2(SPTB):c.5044C>T (p.Arg1682Cys)

Gene: SPTB (spectrin beta, erythrocytic; minus strand). Cytogenetic location: 14q23.3.
Variant type: single nucleotide variant.
Coding change: c.5044C>T on transcript NM_001355436.2 (MANE Select); coding-DNA position 5044, C replaced by T.
Protein change: p.Arg1682Cys; replaces arginine 1682 with cysteine.
Molecular consequence: missense variant.
Genome position (GRCh38, 1-based): chr14:64,773,354, G>A on the plus strand (C>T on the coding strand, the complement: SPTB is on the minus strand). VCF-style: chr14-64773354-G-A. GRCh37 (hg19) VCF-style: chr14-65240072-G-A.
Other names: NM_000347.5:c.5044C>T; c.5044C>T, p.Arg1682Cys (NM_001024858.4, NM_001355437.2); short protein forms R1682C.
Identifiers: ClinVar variation 4753551 (VCV004753551.2).
Genomic context (GRCh38, chr14:64,773,354, plus strand): 5'-GGTCGTCGGTCTCCCGCTTGAGCTGGAACAGGTGGTACATGTTCTCCAGCTTGCGCTTGC[G>A]CTCTTCCGCCACGTCCTTCAGCCCTGCGTAGTGCTTGTCCACTTGCCCCTGAAGTCTGAT-3'
Protein context (NP_001342365.1, residues 1672-1692): YAGLKDVAEE[Arg1682Cys]KRKLENMYHL

ClinVar aggregate classification (germline): Uncertain significance. Review status: criteria provided, multiple submitters, no conflicts (2 of 4 stars). 2 submissions from 2 submitters: Uncertain significance (2). Last evaluated 2026-06-10.

Conditions:
Inborn genetic diseases. Identifiers: MedGen C0950123, MeSH D030342.

gnomAD v4.1: 30 of 1,614,078 alleles (0.0019%); highest among the groups gnomAD compares: South Asian, 0.0044%; no homozygotes.

Submissions (2):

Ambry Genetics
Classification: Uncertain significance for Inborn genetic diseases. Last evaluated: 2026-06-10. Review status: criteria provided, single submitter. Criteria: Ambry Variant Classification Scheme 2023. Collection method: clinical testing. Allele origin: germline.

Labcorp Genetics (formerly Invitae), Labcorp
Classification: Uncertain significance. Last evaluated: 2025-03-31. Review status: criteria provided, single submitter. Criteria: Invitae Variant Classification Sherloc (09022015). Collection method: clinical testing. Allele origin: germline.
Comment: This sequence change replaces arginine, which is basic and polar, with cysteine, which is neutral and slightly polar, at codon 1682 of the SPTB protein (p.Arg1682Cys). This variant is present in population databases (rs111611921, gnomAD 0.004%). This variant has not been reported in the literature in individuals affected with SPTB-related conditions. An algorithm developed to predict the effect of missense changes on protein structure and function (PolyPhen-2) suggests that this variant is likely to be disruptive. In summary, the available evidence is currently insufficient to determine the role of this variant in disease. Therefore, it has been classified as a Variant of Uncertain Significance.